The following is an entry in ClinVar:

NM_000383.4(AIRE):c.1418G>C (p.Arg473Thr)

Gene: AIRE (autoimmune regulator; plus strand). Cytogenetic location: 21q22.3.
Variant type: single nucleotide variant.
Coding change: c.1418G>C on transcript NM_000383.4 (MANE Select); coding-DNA position 1418, G replaced by C.
Protein change: p.Arg473Thr; replaces arginine 473 with threonine.
Molecular consequence: missense variant.
Genome position (GRCh38, 1-based): chr21:44,294,418, G>C. VCF-style: chr21-44294418-G-C. GRCh37 (hg19) VCF-style: chr21-45714301-G-C.
Other names: short protein forms R473T.
Identifiers: ClinVar variation 970171 (VCV000970171.5), dbSNP rs750662701, ClinGen allele CA410425880.
Genomic context (GRCh38, chr21:44,294,418, plus strand): 5'-CTGCTCCCCCCCAGGGCTGGCAGCCCCTCATCCTCTGCTGCAGGACGGGCCTGCGCTGCA[G>C]ATCCTGCTCAGGAGACGTGACCCCAGCCCCTGTGGAGGGGGTGCTGGCCCCCAGCCCCGC-3'
Protein context (NP_000374.1, residues 463-483): TSRPGTGLRC[Arg473Thr]SCSGDVTPAP

ClinVar aggregate classification (germline): Uncertain significance (1 of 4 stars; one submission).

Conditions:
Polyglandular autoimmune syndrome, type 1 (APS1). Also called: PGA I; Autoimmune polyendocrinopathy syndrome , type I, with or without reversible metaphyseal dysplasia; Autoimmune polyendocrine syndrome type 1; HYPOADRENOCORTICISM WITH HYPOPARATHYROIDISM AND SUPERFICIAL MONILIASIS; Autoimmune polyendocrinopathy syndrome, type I; Whitaker syndrome. Identifiers: Orphanet 3453, MedGen C0085859, MONDO:0009411, OMIM 240300.

gnomAD v4.1: 6 of 1,578,968 alleles (0.00038%); highest among the groups gnomAD compares: South Asian, 0.0011%; no homozygotes.

Submission:

Labcorp Genetics (formerly Invitae), Labcorp
Classification: Uncertain significance for Polyglandular autoimmune syndrome, type 1. Last evaluated: 2024-08-13. Review status: criteria provided, single submitter. Criteria: Invitae Variant Classification Sherloc (09022015). Collection method: clinical testing. Allele origin: germline.
Comment: This sequence change replaces arginine, which is basic and polar, with threonine, which is neutral and polar, at codon 473 of the AIRE protein (p.Arg473Thr). The frequency data for this variant in the population databases is considered unreliable, as metrics indicate poor data quality at this position in the gnomAD database. This variant has not been reported in the literature in individuals affected with AIRE-related conditions. ClinVar contains an entry for this variant (Variation ID: 970171). Advanced modeling of protein sequence and biophysical properties (such as structural, functional, and spatial information, amino acid conservation, physicochemical variation, residue mobility, and thermodynamic stability) performed at Invitae indicates that this missense variant is not expected to disrupt AIRE protein function with a negative predictive value of 95%. In summary, the available evidence is currently insufficient to determine the role of this variant in disease. Therefore, it has been classified as a Variant of Uncertain Significance.